The following is an entry in ClinVar:

ClinVar aggregate classification (germline): Likely pathogenic (1 of 4 stars; one submission).

Conditions:
Charlevoix-Saguenay spastic ataxia (SACS). Also called: AUTOSOMAL RECESSIVE SPASTIC ATAXIA OF CHARLEVOIX-SAGUENAY; Spastic ataxia of Charlevoix-Saguenay; SPASTIC ATAXIA 6, AUTOSOMAL RECESSIVE. Identifiers: Orphanet 98, MedGen C1849140, MONDO:0010041, OMIM 270550.

Submission:

Natera, Inc.
Classification: Likely pathogenic for Charlevoix-Saguenay type spastic ataxia. Last evaluated: 2025-03-18. Review status: criteria provided, single submitter. Criteria: Natera Variant Classification Schema (03/2026). Collection method: clinical testing. Allele origin: germline.
Comment: The c.11545del variant in SACS is a frameshift variant predicted to shift the reading frame beginning at codon 3849 and leads to a stop codon 9 codons downstream. This variant is expected to result in nonsense mediated decay, truncation, or a dysfunctional protein product. This variant is rare in the general population with a frequency below the threshold expected for the associated phenotype(s). Given the available evidence, this variant is classified as Likely Pathogenic.

NM_014363.6(SACS):c.11545del (p.Ser3849fs)

Gene: SACS (sacsin molecular chaperone; minus strand). Cytogenetic location: 13q12.12.
Variant type: Deletion.
Coding change: c.11545del on transcript NM_014363.6 (MANE Select); coding-DNA position 11545, one base deleted (T; older notation c.11545delT).
Protein change: p.Ser3849fs; shifts the reading frame from serine 3849.
Molecular consequence: frameshift variant.
Genome position (GRCh38, 1-based): chr13:23,332,331, A deleted on the plus strand (T on the coding strand, the reverse complement: SACS is on the minus strand); the first of 3 consecutive A bases (chr13:23,332,331-23,332,333); deleting any one gives the same sequence. VCF-style (leftmost placement, unchanged base first): chr13-23332330-GA-G. GRCh37 (hg19) VCF-style: chr13-23906469-GA-G.
Other names: c.11104del, p.Ser3702fs (NM_001278055.2); short protein forms S3702fs, S3849fs.
Identifiers: ClinVar variation 4061086 (VCV004061086.2).